The following is an entry in ClinVar:

NM_032043.3(BRIP1):c.1862A>C (p.Lys621Thr)

Gene: BRIP1 (BRCA1 interacting DNA helicase 1; minus strand). Cytogenetic location: 17q23.2.
Variant type: single nucleotide variant.
Coding change: c.1862A>C on transcript NM_032043.3 (MANE Select); coding-DNA position 1862, A replaced by C.
Protein change: p.Lys621Thr; replaces lysine 621 with threonine.
Molecular consequence: missense variant.
Genome position (GRCh38, 1-based): chr17:61,780,334, T>G on the plus strand (A>C on the coding strand, the complement: BRIP1 is on the minus strand). VCF-style: chr17-61780334-T-G. GRCh37 (hg19) VCF-style: chr17-59857695-T-G.
Other names: short protein forms K621T.
Identifiers: ClinVar variation 1781522 (VCV001781522.2), dbSNP rs2545019515, ClinGen allele CA400480093.

ClinVar aggregate classification (germline): Uncertain significance (1 of 4 stars; one submission).

Conditions:
Hereditary cancer-predisposing syndrome. Also called: Neoplastic Syndromes, Hereditary; Tumor predisposition; Hereditary Cancer Syndrome; Hereditary neoplastic syndrome. Identifiers: Orphanet 140162, MedGen C0027672, MeSH D009386, MONDO:0015356.

Submission:

Ambry Genetics
Classification: Uncertain significance for Hereditary cancer-predisposing syndrome. Last evaluated: 2020-02-06. Review status: criteria provided, single submitter. Criteria: Ambry Variant Classification Scheme 2023. Collection method: clinical testing. Allele origin: germline.
Comment: The p.K621T variant (also known as c.1862A>C), located in coding exon 12 of the BRIP1 gene, results from an A to C substitution at nucleotide position 1862. The lysine at codon 621 is replaced by threonine, an amino acid with similar properties. This amino acid position is not well conserved in available vertebrate species. In addition, this alteration is predicted to be tolerated by in silico analysis. Since supporting evidence is limited at this time, the clinical significance of this alteration remains unclear.